The following is an entry in ClinVar:

ClinVar aggregate classification (germline): Uncertain significance. Review status: criteria provided, multiple submitters, no conflicts (2 of 4 stars). 3 submissions from 3 submitters: Uncertain significance (3). Last evaluated 2022-10-26.

Conditions:
Inborn genetic diseases. Identifiers: MedGen C0950123, MeSH D030342.

Allele frequency attached by ClinVar (database versions not stated): ExAC 0.00002; gnomAD 0.00005 and 0.00006; gnomAD exomes 0.00005; TOPMed 0.00007.
gnomAD v4.1: 77 of 1,613,682 alleles (0.0048%); highest among the groups gnomAD compares: Admixed American, 0.0083%; no homozygotes.

Submissions (3):

Labcorp Genetics (formerly Invitae), Labcorp
Classification: Uncertain significance. Last evaluated: 2022-10-26. Review status: criteria provided, single submitter. Criteria: Invitae Variant Classification Sherloc (09022015). Collection method: clinical testing. Allele origin: germline.
Comment: This sequence change replaces alanine, which is neutral and non-polar, with threonine, which is neutral and polar, at codon 330 of the ABHD12 protein (p.Ala330Thr). This variant is present in population databases (rs750619719, gnomAD 0.01%). This variant has not been reported in the literature in individuals affected with ABHD12-related conditions. ClinVar contains an entry for this variant (Variation ID: 1039349). Advanced modeling of protein sequence and biophysical properties (such as structural, functional, and spatial information, amino acid conservation, physicochemical variation, residue mobility, and thermodynamic stability) performed at Invitae indicates that this missense variant is expected to disrupt ABHD12 protein function. In summary, the available evidence is currently insufficient to determine the role of this variant in disease. Therefore, it has been classified as a Variant of Uncertain Significance.

Ambry Genetics
Classification: Uncertain significance for Inborn genetic diseases. Last evaluated: 2022-10-05. Review status: criteria provided, single submitter. Criteria: Ambry Variant Classification Scheme 2023. Collection method: clinical testing. Allele origin: germline.

Blueprint Genetics
Classification: Uncertain significance. Last evaluated: 2022-01-20. Review status: criteria provided, single submitter. Criteria: ACMG Guidelines, 2015. Collection method: clinical testing. Allele origin: germline.

NM_001042472.3(ABHD12):c.988G>A (p.Ala330Thr)

Gene: ABHD12 (abhydrolase domain containing 12, lysophospholipase; minus strand). Cytogenetic location: 20p11.21.
Variant type: single nucleotide variant.
Coding change: c.988G>A on transcript NM_001042472.3 (MANE Select); coding-DNA position 988, G replaced by A.
Protein change: p.Ala330Thr; replaces alanine 330 with threonine.
Molecular consequence: missense variant.
Genome position (GRCh38, 1-based): chr20:25,303,591, C>T on the plus strand (G>A on the coding strand, the complement: ABHD12 is on the minus strand). VCF-style: chr20-25303591-C-T. GRCh37 (hg19) VCF-style: chr20-25284227-C-T.
Other names: c.988G>A (NM_001042472.2); c.988G>A, p.Ala330Thr (NM_015600.5); short protein forms A330T.
Identifiers: ClinVar variation 1039349 (VCV001039349.7), dbSNP rs750619719, ClinGen allele CA9795907.
Genomic context (GRCh38, chr20:25,303,591, plus strand): 5'-GGCAGAGGCCAGGACCCACCTTTCTGCCAAGCTGGAAGGGCACCACCGGGTCGTCCTCAG[C>T]GTGCAGGATGAGCAGGGGACAGGAGATGTGCTTCACGCTGTAGGAGGGAGAAGGGGCTAG-3'
Protein context (NP_001035937.1, residues 320-340): HISCPLLILH[Ala330Thr]EDDPVVPFQL